The following is an entry in ClinVar:

ClinVar aggregate classification (germline): Uncertain significance (1 of 4 stars; one submission).

Submission:

GeneDx
Classification: Uncertain significance. Last evaluated: 2024-11-13. Review status: criteria provided, single submitter. Criteria: GeneDx Variant Classification Process June 2021. Collection method: clinical testing. Allele origin: germline. Affected: yes.
Comment: Not observed at significant frequency in large population cohorts (gnomAD); In silico analysis indicates that this missense variant does not alter protein structure/function; Has not been previously published as pathogenic or benign to our knowledge

NM_006415.4(SPTLC1):c.1177G>A (p.Ala393Thr)

Gene: SPTLC1 (serine palmitoyltransferase long chain base subunit 1; minus strand). Cytogenetic location: 9q22.31.
Variant type: single nucleotide variant.
Coding change: c.1177G>A on transcript NM_006415.4 (MANE Select); coding-DNA position 1177, G replaced by A.
Protein change: p.Ala393Thr; replaces alanine 393 with threonine.
Molecular consequence: missense variant.
Genome position (GRCh38, 1-based): chr9:92,038,325, C>T on the plus strand (G>A on the coding strand, the complement: SPTLC1 is on the minus strand). VCF-style: chr9-92038325-C-T. GRCh37 (hg19) VCF-style: chr9-94800607-C-T.
Other names: c.1177G>A, p.Ala393Thr (NM_001281303.2); c.811G>A, p.Ala271Thr (NM_001368272.1); c.712G>A, p.Ala238Thr (NM_001368273.1); short protein forms A238T, A271T, A393T.
Identifiers: ClinVar variation 3899697 (VCV003899697.1).